The following is an entry in ClinVar:

NM_024301.5(FKRP):c.452G>C (p.Gly151Ala)

Gene: FKRP (fukutin related protein; plus strand). Cytogenetic location: 19q13.32.
Variant type: single nucleotide variant.
Coding change: c.452G>C on transcript NM_024301.5 (MANE Select); coding-DNA position 452, G replaced by C.
Protein change: p.Gly151Ala; replaces glycine 151 with alanine.
Molecular consequence: missense variant.
Genome position (GRCh38, 1-based): chr19:46,755,902, G>C. VCF-style: chr19-46755902-G-C. GRCh37 (hg19) VCF-style: chr19-47259159-G-C.
Other names: c.452G>C, p.Gly151Ala (NM_001039885.3); c.452G>C (NM_024301.4); short protein forms G151A.
Identifiers: ClinVar variation 1387611 (VCV001387611.6), dbSNP rs1171700980, ClinGen allele CA406495356.

ClinVar aggregate classification (germline): Uncertain significance. Review status: criteria provided, multiple submitters, no conflicts (2 of 4 stars). 2 submissions from 2 submitters: Uncertain significance (2). Last evaluated 2025-07-15.

Conditions:
Walker-Warburg congenital muscular dystrophy. Also called: Muscular dystrophy-dystroglycanopathy, type A; Walker-Warburg syndrome. Identifiers: Orphanet 899, MedGen C0265221, MONDO:0000171.
Cardiovascular phenotype. Identifiers: MedGen CN230736.

Submissions (2):

Ambry Genetics
Classification: Uncertain significance for Cardiovascular phenotype. Last evaluated: 2025-07-15. Review status: criteria provided, single submitter. Criteria: Ambry Variant Classification Scheme 2023. Collection method: clinical testing. Allele origin: germline.
Comment: The p.G151A variant (also known as c.452G>C), located in coding exon 1 of the FKRP gene, results from a G to C substitution at nucleotide position 452. The glycine at codon 151 is replaced by alanine, an amino acid with similar properties. This amino acid position is conserved. In addition, this alteration is predicted to be tolerated by in silico analysis. Based on the available evidence, the clinical significance of this variant remains unclear.

Labcorp Genetics (formerly Invitae), Labcorp
Classification: Uncertain significance for Walker-Warburg congenital muscular dystrophy. Last evaluated: 2021-09-30. Review status: criteria provided, single submitter. Criteria: Invitae Variant Classification Sherloc (09022015). Collection method: clinical testing. Allele origin: germline.
Comment: This sequence change replaces glycine with alanine at codon 151 of the FKRP protein (p.Gly151Ala). The glycine residue is moderately conserved and there is a small physicochemical difference between glycine and alanine. The frequency data for this variant in the population databases is considered unreliable, as metrics indicate insufficient coverage at this position in the ExAC database. This variant has not been reported in the literature in individuals with FKRP-related conditions. Algorithms developed to predict the effect of missense changes on protein structure and function (SIFT, PolyPhen-2, Align-GVGD) all suggest that this variant is likely to be tolerated, but these predictions have not been confirmed by published functional studies and their clinical significance is uncertain. In summary, the available evidence is currently insufficient to determine the role of this variant in disease. Therefore, it has been classified as a Variant of Uncertain Significance.